The following is an entry in ClinVar:

ClinVar aggregate classification (germline): Uncertain significance. Review status: criteria provided, multiple submitters, no conflicts (2 of 4 stars). 2 submissions from 2 submitters: Uncertain significance (2). Last evaluated 2022-05-11.

Submissions (2):

Women's Health and Genetics/Laboratory Corporation of America, LabCorp
Classification: Uncertain significance. Last evaluated: 2022-05-11. Review status: criteria provided, single submitter. Criteria: LabCorp Variant Classification Summary - May 2015. Collection method: clinical testing. Allele origin: germline.
Comment: Variant summary: USH1G c.1022C>A (p.Ala341Glu) results in a non-conservative amino acid change in the encoded protein sequence. Four of five in-silico tools predict a benign effect of the variant on protein function. The variant was absent in 248948 control chromosomes. The available data on variant occurrences in the general population are insufficient to allow any conclusion about variant significance. To our knowledge, no occurrence of c.1022C>A in individuals affected with Usher Syndrome and no experimental evidence demonstrating its impact on protein function have been reported. One clinical diagnostic laboratory has submitted clinical-significance assessments for this variant to ClinVar after 2014 without evidence for independent evaluation and classified the variant as uncertain significance. Based on the evidence outlined above, the variant was classified as uncertain significance.

GeneDx
Classification: Uncertain significance. Last evaluated: 2019-03-15. Review status: criteria provided, single submitter. Criteria: GeneDx Variant Classification Process June 2021. Collection method: clinical testing. Allele origin: germline. Affected: yes.
Comment: Not observed in large population cohorts (Lek et al., 2016); In silico analysis, which includes protein predictors and evolutionary conservation, supports that this variant does not alter protein structure/function; Has not been previously published as pathogenic or benign to our knowledge

NM_173477.5(USH1G):c.1022C>A (p.Ala341Glu)

Gene: USH1G (USH1 protein network component sans; minus strand). Cytogenetic location: 17q25.1.
Variant type: single nucleotide variant.
Coding change: c.1022C>A on transcript NM_173477.5 (MANE Select); coding-DNA position 1022, C replaced by A.
Protein change: p.Ala341Glu; replaces alanine 341 with glutamic acid.
Molecular consequence: missense variant.
Genome position (GRCh38, 1-based): chr17:74,919,814, G>T on the plus strand (C>A on the coding strand, the complement: USH1G is on the minus strand). VCF-style: chr17-74919814-G-T. GRCh37 (hg19) VCF-style: chr17-72915909-G-T.
Other names: c.713C>A, p.Ala238Glu (NM_001282489.3); short protein forms A238E, A341E.
Identifiers: ClinVar variation 1307142 (VCV001307142.3), dbSNP rs762822503, ClinGen allele CA400962026.